The following is an entry in ClinVar:

NM_000179.3(MSH6):c.3634G>C (p.Val1212Leu)

Gene: MSH6 (mutS homolog 6; plus strand). Cytogenetic location: 2p16.3.
Variant type: single nucleotide variant.
Coding change: c.3634G>C on transcript NM_000179.3 (MANE Select); coding-DNA position 3634, G replaced by C.
Protein change: p.Val1212Leu; replaces valine 1212 with leucine.
Molecular consequence: missense variant.
Genome position (GRCh38, 1-based): chr2:47,805,695, G>C. VCF-style: chr2-47805695-G-C. GRCh37 (hg19) VCF-style: chr2-48032834-G-C.
Other names: c.3244G>C, p.Val1082Leu (NM_001281492.2); c.2728G>C, p.Val910Leu (NM_001281493.2, NM_001281494.2); short protein forms V910L, V1082L, V1212L.
Identifiers: ClinVar variation 653382 (VCV000653382.10), dbSNP rs864622748, ClinGen allele CA346760609.

ClinVar aggregate classification (germline): Uncertain significance. Review status: criteria provided, multiple submitters, no conflicts (2 of 4 stars). 2 submissions from 2 submitters: Uncertain significance (2). Last evaluated 2026-01-17.

Conditions:
Hereditary nonpolyposis colorectal neoplasms. Identifiers: MedGen C0009405, MeSH D003123.
Hereditary cancer-predisposing syndrome. Also called: Neoplastic Syndromes, Hereditary; Hereditary neoplastic syndrome; Tumor predisposition; Hereditary Cancer Syndrome. Identifiers: Orphanet 140162, MedGen C0027672, MeSH D009386, MONDO:0015356.

Submissions (2):

Ambry Genetics
Classification: Uncertain significance for Hereditary cancer-predisposing syndrome. Last evaluated: 2026-01-17. Review status: criteria provided, single submitter. Criteria: Ambry Variant Classification Scheme 2023. Collection method: clinical testing. Allele origin: germline.
Comment: The p.V1212L variant (also known as c.3634G>C), located in coding exon 7 of the MSH6 gene, results from a G to C substitution at nucleotide position 3634. The valine at codon 1212 is replaced by leucine, an amino acid with highly similar properties. This amino acid position is conserved. In addition, this alteration is predicted to be tolerated by in silico analysis. Based on the available evidence, the clinical significance of this variant remains unclear.

Labcorp Genetics (formerly Invitae), Labcorp
Classification: Uncertain significance for Hereditary nonpolyposis colorectal neoplasms. Last evaluated: 2021-07-17. Review status: criteria provided, single submitter. Criteria: Invitae Variant Classification Sherloc (09022015). Collection method: clinical testing. Allele origin: germline.
Comment: This variant is not present in population databases (ExAC no frequency). This sequence change replaces valine with leucine at codon 1212 of the MSH6 protein (p.Val1212Leu). The valine residue is weakly conserved and there is a small physicochemical difference between valine and leucine. In summary, the available evidence is currently insufficient to determine the role of this variant in disease. Therefore, it has been classified as a Variant of Uncertain Significance. Algorithms developed to predict the effect of missense changes on protein structure and function (SIFT, PolyPhen-2, Align-GVGD) all suggest that this variant is likely to be tolerated, but these predictions have not been confirmed by published functional studies and their clinical significance is uncertain. This variant has not been reported in the literature in individuals with MSH6-related disease.